The following is an entry in ClinVar:

NM_015662.3(IFT172):c.2129A>C (p.Glu710Ala)

Gene: IFT172 (intraflagellar transport 172; minus strand). Cytogenetic location: 2p23.3.
Variant type: single nucleotide variant.
Coding change: c.2129A>C on transcript NM_015662.3 (MANE Select); coding-DNA position 2129, A replaced by C.
Protein change: p.Glu710Ala; replaces glutamic acid 710 with alanine.
Molecular consequence: missense variant.
Genome position (GRCh38, 1-based): chr2:27,461,823, T>G on the plus strand (A>C on the coding strand, the complement: IFT172 is on the minus strand). VCF-style: chr2-27461823-T-G. GRCh37 (hg19) VCF-style: chr2-27684690-T-G.
Other names: c.2063A>C, p.Glu688Ala (NM_001410739.1); c.2129A>C (NM_015662.2); short protein forms E688A, E710A.
Identifiers: ClinVar variation 1969180 (VCV001969180.6), dbSNP rs1404950371, ClinGen allele CA346384927.

ClinVar aggregate classification (germline): Uncertain significance. Review status: criteria provided, single submitter (1 of 4 stars). 2 submissions from 2 submitters: Uncertain significance (1). 1 of the submissions does not count toward it. Last evaluated 2022-04-07.

Conditions:
Short-rib thoracic dysplasia 10 with or without polydactyly (SRTD10). Identifiers: Orphanet 474, MedGen C3810175, MONDO:0014284, OMIM 615630.
Retinitis pigmentosa 71 (RP71). Identifiers: Orphanet 791, MedGen C4225342, MONDO:0014618, OMIM 616394.
IFT172-related disorder. Also called: IFT172-related condition; IFT172-related disorders.

Allele frequency attached by ClinVar (database versions not stated): gnomAD exomes below 0.00001; TOPMed below 0.00001.
gnomAD v4.1: 2 of 1,614,090 alleles (0.00012%); highest among the groups gnomAD compares: Non-Finnish European, 0.000085%; no homozygotes.

Submissions (2):

Labcorp Genetics (formerly Invitae), Labcorp
Classification: Uncertain significance for Retinitis pigmentosa 71; Short-rib thoracic dysplasia 10 with or without polydactyly. Last evaluated: 2022-04-07. Review status: criteria provided, single submitter. Criteria: Invitae Variant Classification Sherloc (09022015). Collection method: clinical testing. Allele origin: germline.
Comment: In summary, the available evidence is currently insufficient to determine the role of this variant in disease. Therefore, it has been classified as a Variant of Uncertain Significance. Algorithms developed to predict the effect of missense changes on protein structure and function (SIFT, PolyPhen-2, Align-GVGD) all suggest that this variant is likely to be tolerated. This variant has not been reported in the literature in individuals affected with IFT172-related conditions. This variant is not present in population databases (gnomAD no frequency). This sequence change replaces glutamic acid, which is acidic and polar, with alanine, which is neutral and non-polar, at codon 710 of the IFT172 protein (p.Glu710Ala).

PreventionGenetics, part of Exact Sciences
Classification: Uncertain significance for IFT172-related condition. Last evaluated: 2024-03-28. Review status: no assertion criteria provided. Collection method: clinical testing. Allele origin: germline. Not counted in ClinVar's aggregate classification.
Comment: The IFT172 c.2129A>C variant is predicted to result in the amino acid substitution p.Glu710Ala. To our knowledge, this variant has not been reported in the literature or in a large population database, indicating this variant is rare. At this time, the clinical significance of this variant is uncertain due to the absence of conclusive functional and genetic evidence.